The following is an entry in ClinVar:

NM_001130144.3(LTBP3):c.2033_2041delinsCTT (p.Asn678_Gly681delinsThrCys)

Gene: LTBP3 (latent transforming growth factor beta binding protein 3; minus strand). Cytogenetic location: 11q13.1.
Variant type: Indel.
Coding change: c.2033_2041delinsCTT on transcript NM_001130144.3 (MANE Select); coding-DNA positions 2033 to 2041, ACTTTCCCG replaced by CTT.
Protein change: p.Asn678_Gly681delinsThrCys.
Molecular consequence: inframe indel.
Genome position (GRCh38, 1-based): chr11:65,547,505-65,547,513, CGGGAAAGT replaced by AAG on the plus strand (ACTTTCCCG replaced by CTT on the coding strand, the reverse complement: LTBP3 is on the minus strand). VCF-style: chr11-65547505-CGGGAAAGT-AAG. GRCh37 (hg19) VCF-style: chr11-65314976-CGGGAAAGT-AAG.
Other names: c.1682_1690delinsCTT, p.Asn561_Gly564delinsThrCys (NM_001164266.1); c.2033_2041delinsCTT, p.Asn678_Gly681delinsThrCys (NM_021070.4).
Identifiers: ClinVar variation 996697 (VCV000996697.2), dbSNP rs1856424871, ClinGen allele CA1979276367.

ClinVar aggregate classification (germline): Uncertain significance. Review status: criteria provided, single submitter (1 of 4 stars). 2 submissions from 2 submitters: Uncertain significance (1). 1 of the submissions does not count toward it. Last evaluated 2025-04-17.

Conditions:
Heritable Thoracic Aortic Disease. Also called: Heritable Thoracic Aortic Disease (HTAD). Identifiers: MedGen CN868256.
Brachyolmia-amelogenesis imperfecta syndrome. Also called: PLATYSPONDYLY WITH AMELOGENESIS IMPERFECTA; Tooth agenesis, selective, 6; Dental anomalies and short stature. Identifiers: Orphanet 2899, MedGen C1832594, MONDO:0011018, OMIM 601216. Disease mechanism: loss of function.

Submissions (2):

Labcorp Genetics (formerly Invitae), Labcorp
Classification: Uncertain significance for Brachyolmia-amelogenesis imperfecta syndrome. Last evaluated: 2025-04-17. Review status: criteria provided, single submitter. Criteria: Invitae Variant Classification Sherloc (09022015). Collection method: clinical testing. Allele origin: germline.
Comment: This variant, c.2033_2041delinsCTT, is a complex sequence change that results in the deletion of 4 and insertion of 2 amino acid(s) in the LTBP3 protein (p.Asn678_Gly681delinsThrCys). Information on the frequency of this variant in the gnomAD database is not available, as this variant may be reported differently in the database. This variant has not been reported in the literature in individuals affected with LTBP3-related conditions. In summary, the available evidence is currently insufficient to determine the role of this variant in disease. Therefore, it has been classified as a Variant of Uncertain Significance.

University of Washington Center for Mendelian Genomics, University of Washington
Classification: confers sensitivity for Heritable Thoracic Aortic Disease. Review status: no assertion criteria provided. Collection method: research. Allele origin: inherited. Affected: yes. Not counted in ClinVar's aggregate classification.

Literature cited by the submitters: PubMed 29625025 (cited by University of Washington Center for Mendelian Genomics, University of Washington).